The following is an entry in ClinVar:

ClinVar aggregate classification (germline): Uncertain significance (1 of 4 stars; one submission).

Conditions:
Charcot-Marie-Tooth disease type 2. Also called: Charcot-Marie-Tooth type 2. Identifiers: Orphanet 64746, MedGen C0270914, MONDO:0018993.

Allele frequency attached by ClinVar (database versions not stated): gnomAD exomes below 0.00001.
gnomAD v4.1: 1 of 1,614,162 alleles (0.000062%); highest among the groups gnomAD compares: East Asian, 0.0022%; no homozygotes.

Submission:

Labcorp Genetics (formerly Invitae), Labcorp
Classification: Uncertain significance for Charcot-Marie-Tooth disease type 2. Last evaluated: 2022-11-15. Review status: criteria provided, single submitter. Criteria: Invitae Variant Classification Sherloc (09022015). Collection method: clinical testing. Allele origin: germline.
Comment: In summary, the available evidence is currently insufficient to determine the role of this variant in disease. Therefore, it has been classified as a Variant of Uncertain Significance. Advanced modeling of protein sequence and biophysical properties (such as structural, functional, and spatial information, amino acid conservation, physicochemical variation, residue mobility, and thermodynamic stability) has been performed at Invitae for this missense variant, however the output from this modeling did not meet the statistical confidence thresholds required to predict the impact of this variant on AARS protein function. This variant has not been reported in the literature in individuals affected with AARS-related conditions. This variant is not present in population databases (gnomAD no frequency). This sequence change replaces proline, which is neutral and non-polar, with leucine, which is neutral and non-polar, at codon 37 of the AARS protein (p.Pro37Leu).

NM_001605.3(AARS1):c.110C>T (p.Pro37Leu)

Gene: AARS1 (alanyl-tRNA synthetase 1; minus strand). Cytogenetic location: 16q22.1.
Variant type: single nucleotide variant.
Coding change: c.110C>T on transcript NM_001605.3 (MANE Select); coding-DNA position 110, C replaced by T.
Protein change: p.Pro37Leu; replaces proline 37 with leucine.
Molecular consequence: missense variant.
Genome position (GRCh38, 1-based): chr16:70,282,654, G>A on the plus strand (C>T on the coding strand, the complement: AARS1 is on the minus strand). VCF-style: chr16-70282654-G-A. GRCh37 (hg19) VCF-style: chr16-70316557-G-A.
Other names: short protein forms P37L.
Identifiers: ClinVar variation 2814576 (VCV002814576.3), dbSNP rs2507037396, ClinGen allele CA396570409.